The following is an entry in ClinVar:

ClinVar aggregate classification (germline): Uncertain significance (1 of 4 stars; one submission).

Allele frequency attached by ClinVar (database versions not stated): ESP Exome Variant Server 0.00008; TOPMed 0.00015; gnomAD 0.00021; ExAC 0.00028.
gnomAD v4.1: 331 of 1,613,672 alleles (0.021%); highest among the groups gnomAD compares: Non-Finnish European, 0.026%; 1 homozygote.

Submissions (2):

Labcorp Genetics (formerly Invitae), Labcorp
Classification: Uncertain significance. Last evaluated: 2025-12-24. Review status: criteria provided, single submitter. Criteria: Invitae Variant Classification Sherloc (09022015). Collection method: clinical testing. Allele origin: germline.
Comment: This sequence change replaces proline, which is neutral and non-polar, with alanine, which is neutral and non-polar, at codon 32 of the NKX2-2 protein (p.Pro32Ala). This variant is present in population databases (rs8192561, gnomAD 0.05%). This variant has not been reported in the literature in individuals affected with NKX2-2-related conditions. ClinVar contains an entry for this variant (Variation ID: 2163871). An algorithm developed to predict the effect of missense changes on protein structure and function outputs the following: PolyPhen-2: "Benign". The alanine amino acid residue is found in multiple mammalian species, which suggests that this missense change does not adversely affect protein function. In summary, the available evidence is currently insufficient to determine the role of this variant in disease. Therefore, it has been classified as a Variant of Uncertain Significance.

Dr. Peter K. Rogan Lab, Western University
No classification provided (evidence only). Condition: Thyroid cancer, nonmedullary, 1. Review status: no classification provided. Collection method: in vitro. Allele origin: not applicable. Functional consequence: retained intron. Not counted in ClinVar's aggregate classification.

NM_002509.4(NKX2-2):c.94C>G (p.Pro32Ala)

Gene: NKX2-2 (NK2 homeobox 2; minus strand). Cytogenetic location: 20p11.22.
Variant type: single nucleotide variant.
Coding change: c.94C>G on transcript NM_002509.4 (MANE Select); coding-DNA position 94, C replaced by G.
Protein change: p.Pro32Ala; replaces proline 32 with alanine.
Molecular consequence: missense variant.
Genome position (GRCh38, 1-based): chr20:21,513,576, G>C on the plus strand (C>G on the coding strand, the complement: NKX2-2 is on the minus strand). VCF-style: chr20-21513576-G-C. GRCh37 (hg19) VCF-style: chr20-21494214-G-C.
Other names: short protein forms P32A.
Identifiers: ClinVar variation 2163871 (VCV002163871.4), dbSNP rs8192561, ClinGen allele CA9786351.